The following is an entry in ClinVar:

ClinVar aggregate classification (germline): Uncertain significance. Review status: criteria provided, multiple submitters, no conflicts (2 of 4 stars). 4 submissions from 4 submitters: Uncertain significance (3). 1 of the submissions does not count toward it. Last evaluated 2025-12-01.

Conditions:
MECOM-related disorder. Also called: MECOM-related condition.

Allele frequency attached by ClinVar (database versions not stated): 1000 Genomes Project 30x 0.00016; 1000 Genomes Project 0.00020; gnomAD 0.00024; ExAC 0.00029; gnomAD exomes 0.00029; ESP Exome Variant Server 0.00031; TOPMed 0.00031.
gnomAD v4.1: 852 of 1,614,152 alleles (0.053%); highest among the groups gnomAD compares: Non-Finnish European, 0.067%; no homozygotes.

Submissions (4):

Labcorp Genetics (formerly Invitae), Labcorp
Classification: Uncertain significance. Last evaluated: 2025-12-01. Review status: criteria provided, single submitter. Criteria: Invitae Variant Classification Sherloc (09022015). Collection method: clinical testing. Allele origin: germline.
Comment: This sequence change replaces aspartic acid, which is acidic and polar, with alanine, which is neutral and non-polar, at codon 264 of the MECOM protein (p.Asp264Ala). This variant is present in population databases (rs145677287, gnomAD 0.05%), and has an allele count higher than expected for a pathogenic variant. This variant has not been reported in the literature in individuals affected with MECOM-related conditions. ClinVar contains an entry for this variant (Variation ID: 1337750). An algorithm developed to predict the effect of missense changes on protein structure and function (PolyPhen-2) suggests that this variant is likely to be disruptive. In summary, the available evidence is currently insufficient to determine the role of this variant in disease. Therefore, it has been classified as a Variant of Uncertain Significance.

CeGaT Center for Human Genetics Tuebingen
Classification: Uncertain significance. Last evaluated: 2022-04-01. Review status: criteria provided, single submitter. Criteria: CeGaT Center For Human Genetics Tuebingen Variant Classification Criteria Version 2. Collection method: clinical testing. Allele origin: germline. Affected: yes. Observed: 1 variant allele.

Genetic Services Laboratory, University of Chicago
Classification: Uncertain significance. Last evaluated: 2020-12-24. Review status: criteria provided, single submitter. Criteria: ACMG Guidelines, 2015. Collection method: clinical testing. Allele origin: germline. Affected: no.
Comment: DNA sequence analysis of the MECOM gene demonstrated a sequence change, c.791A>C, in exon 7 that results in an amino acid change, p.Asp264Ala. This sequence change does not appear to have been previously described in patients with MECOM-related disorders and has been described in the gnomAD database with a frequency of 0.051% in the European sub-population (dbSNP rs145677287). The p.Asp264Ala change affects a moderately conserved amino acid residue located in a domain of the MECOM protein that is not known to be functional. In-silico pathogenicity prediction tools (SIFT, PolyPhen2, Align GVGD, REVEL) provide contradictory results for the p.Asp264Ala substitution. Due to these contrasting evidences and the lack of functional studies, the clinical significance of the p.Asp264Ala change remains unknown at this time.

PreventionGenetics, part of Exact Sciences
Classification: Likely benign for MECOM-related condition. Last evaluated: 2022-10-05. Review status: no assertion criteria provided. Collection method: clinical testing. Allele origin: germline. Not counted in ClinVar's aggregate classification.
Comment: This variant is classified as likely benign based on ACMG/AMP sequence variant interpretation guidelines (Richards et al. 2015 PMID: 25741868, with internal and published modifications).

NM_004991.4(MECOM):c.1355A>C (p.Asp452Ala)

Gene: MECOM (MDS1 and EVI1 complex locus; minus strand). Cytogenetic location: 3q26.2.
Variant type: single nucleotide variant.
Coding change: c.1355A>C on transcript NM_004991.4 (MANE Select); coding-DNA position 1355, A replaced by C.
Protein change: p.Asp452Ala; replaces aspartic acid 452 with alanine.
Molecular consequence: missense variant. On other transcripts: intron variant (2).
Genome position (GRCh38, 1-based): chr3:169,116,517, T>G on the plus strand (A>C on the coding strand, the complement: MECOM is on the minus strand). VCF-style: chr3-169116517-T-G. GRCh37 (hg19) VCF-style: chr3-168834305-T-G.
Other names: c.986A>C, p.Asp329Ala (NM_001105077.4); c.791A>C, p.Asp264Ala (NM_001105078.4, NM_001164000.2, NM_001205194.2 and 4 more transcripts); c.794A>C, p.Asp265Ala (NM_001163999.2, NM_001366467.2, NM_001366468.2 and 1 more transcripts); c.1355A>C, p.Asp452Ala (NM_001366466.2); c.1133-750A>C (NM_001366473.2); c.569-750A>C (NM_001366474.2); c.1355A>C (NM_004991.3); short protein forms D264A, D265A, D329A, D452A.
Identifiers: ClinVar variation 1337750 (VCV001337750.33), dbSNP rs145677287, ClinGen allele CA2696354.